The following is an entry in ClinVar:

NM_001267550.2(TTN):c.1412C>T (p.Ala471Val)

Gene: TTN (titin; minus strand). Cytogenetic location: 2q31.2.
Variant type: single nucleotide variant.
Coding change: c.1412C>T on transcript NM_001267550.2 (MANE Select); coding-DNA position 1412, C replaced by T.
Protein change: p.Ala471Val; replaces alanine 471 with valine.
Molecular consequence: missense variant.
Genome position (GRCh38, 1-based): chr2:178,793,528, G>A on the plus strand (C>T on the coding strand, the complement: TTN is on the minus strand). VCF-style: chr2-178793528-G-A. GRCh37 (hg19) VCF-style: chr2-179658255-G-A.
Other names: c.1412C>T, p.Ala471Val (NM_001256850.1, NM_003319.4, NM_133378.4 and 3 more transcripts); short protein forms A471V.
Identifiers: ClinVar variation 1772064 (VCV001772064.2), dbSNP rs754127089, ClinGen allele CA2006048.
Genomic context (GRCh38, chr2:178,793,528, plus strand): 5'-AATTCTTGTTCCTTGGCTTTATCGGCGGCCACTACTACCTTAGTTACAGCAGTCTTCTCC[G>A]CTTCCTTTCTTACCTGCTTTTCATAGAGAAAGGAAGAAAACACCTTAATGCATCTTACAT-3'
Protein context (NP_001254479.2, residues 461-481): QPAQEQVRKE[Ala471Val]EKTAVTKVVV

ClinVar aggregate classification (germline): Uncertain significance (1 of 4 stars; one submission).

Conditions:
Cardiovascular phenotype. Identifiers: MedGen CN230736.

Allele frequency attached by ClinVar (database versions not stated): gnomAD 0.00001; gnomAD exomes 0.00001; TOPMed 0.00002; ExAC 0.00003.
gnomAD v4.1: 21 of 1,613,680 alleles (0.0013%); highest among the groups gnomAD compares: East Asian, 0.0089%; no homozygotes.

Submission:

Ambry Genetics
Classification: Uncertain significance for Cardiovascular phenotype. Last evaluated: 2020-03-06. Review status: criteria provided, single submitter. Criteria: Ambry Variant Classification Scheme 2023. Collection method: clinical testing. Allele origin: germline.
Comment: The p.A471V variant (also known as c.1412C>T), located in coding exon 8 of the TTN gene, results from a C to T substitution at nucleotide position 1412. The alanine at codon 471 is replaced by valine, an amino acid with similar properties. This amino acid position is well conserved in available vertebrate species. In addition, this alteration is predicted to be tolerated by in silico analysis. Since supporting evidence is limited at this time, the clinical significance of this alteration remains unclear.